The following is an entry in ClinVar:

NM_006618.5(KDM5B):c.3584G>A (p.Cys1195Tyr)

Gene: KDM5B (lysine demethylase 5B; minus strand). Cytogenetic location: 1q32.1.
Variant type: single nucleotide variant.
Coding change: c.3584G>A on transcript NM_006618.5 (MANE Select); coding-DNA position 3584, G replaced by A.
Protein change: p.Cys1195Tyr; replaces cysteine 1195 with tyrosine.
Molecular consequence: missense variant.
Genome position (GRCh38, 1-based): chr1:202,733,726, C>T on the plus strand (G>A on the coding strand, the complement: KDM5B is on the minus strand). VCF-style: chr1-202733726-C-T. GRCh37 (hg19) VCF-style: chr1-202702854-C-T.
Other names: c.3692G>A, p.Cys1231Tyr (NM_001314042.2); c.3449G>A, p.Cys1150Tyr (NM_001347591.2); c.3569G>A, p.Cys1190Tyr (NM_001399817.1); short protein forms C1150Y, C1190Y, C1195Y, C1231Y.
Identifiers: ClinVar variation 4070813 (VCV004070813.1).

ClinVar aggregate classification (germline): Uncertain significance (1 of 4 stars; one submission).

Submission:

GeneDx
Classification: Uncertain significance. Last evaluated: 2025-01-15. Review status: criteria provided, single submitter. Criteria: GeneDx Variant Classification Process June 2021. Collection method: clinical testing. Allele origin: germline. Affected: yes.
Comment: Not observed at significant frequency in large population cohorts (gnomAD); In silico analysis supports that this missense variant has a deleterious effect on protein structure/function; Has not been previously published as pathogenic or benign to our knowledge